The following is an entry in ClinVar:

NM_000297.4(PKD2):c.2829C>T (p.Ser943=)

Gene: PKD2 (polycystin 2, transient receptor potential cation channel; plus strand). Cytogenetic location: 4q22.1.
Variant type: single nucleotide variant.
Coding change: c.2829C>T on transcript NM_000297.4 (MANE Select); coding-DNA position 2829, C replaced by T.
Protein change: p.Ser943=; no amino-acid change (serine 943 retained).
Molecular consequence: synonymous variant. On other transcripts: non-coding transcript variant (1).
Genome position (GRCh38, 1-based): chr4:88,075,616, C>T. VCF-style: chr4-88075616-C-T. GRCh37 (hg19) VCF-style: chr4-88996768-C-T.
Other names: p.Ser943=.
Identifiers: ClinVar variation 350032 (VCV000350032.17), dbSNP rs138495345, ClinGen allele CA3004372.

ClinVar aggregate classification (germline): Conflicting classifications of pathogenicity. Review status: criteria provided, conflicting classifications (1 of 4 stars). 4 submissions from 4 submitters: Uncertain significance (1); Benign (1); Likely benign (2). Last evaluated 2026-02-02.

Conditions:
Autosomal dominant polycystic kidney disease. Identifiers: Orphanet 730, MedGen C0085413, MONDO:0004691.
Polycystic kidney disease 2 (PKD2). Also called: POLYCYSTIC KIDNEY DISEASE, ADULT, TYPE II; Polycystic Kidney Disease 2, Autosomal Dominant; POLYCYSTIC KIDNEY DISEASE 2 WITH OR WITHOUT POLYCYSTIC LIVER DISEASE. Identifiers: MedGen C2751306, MONDO:0013131, OMIM 613095.
PKD2-related disorder. Also called: PKD2-related condition.

Allele frequency attached by ClinVar (database versions not stated): gnomAD exomes 0.00005 and 0.00011; ExAC 0.00013; gnomAD 0.00033 and 0.00036; TOPMed 0.00047; ESP Exome Variant Server 0.00054; 1000 Genomes Project 30x 0.00109; 1000 Genomes Project 0.00120.
gnomAD v4.1: 130 of 1,614,170 alleles (0.0081%); highest among the groups gnomAD compares: African/African-American, 0.14%; no homozygotes.

Submissions (4):

PreventionGenetics, part of Exact Sciences
Classification: Likely benign for PKD2-related condition. Last evaluated: 2026-02-02. Review status: criteria provided, single submitter. Criteria: ACMG Guidelines, 2015. Collection method: clinical testing. Allele origin: germline.
Comment: This variant is classified as likely benign based on ACMG/AMP sequence variant interpretation guidelines (Richards et al. 2015 PMID: 25741868, with internal and published modifications).

Labcorp Genetics (formerly Invitae), Labcorp
Classification: Benign for Autosomal dominant polycystic kidney disease. Last evaluated: 2026-01-20. Review status: criteria provided, single submitter. Criteria: Invitae Variant Classification Sherloc (09022015). Collection method: clinical testing. Allele origin: germline.

Mayo Clinic Laboratories, Mayo Clinic
Classification: Likely benign. Last evaluated: 2025-06-20. Review status: criteria provided, single submitter. Criteria: ACMG Guidelines, 2015. Collection method: clinical testing. Allele origin: germline. Observed: 1 variant allele.
Comment: BS1, BP4, BP7

Illumina Laboratory Services, Illumina
Classification: Uncertain significance for Polycystic kidney disease 2. Last evaluated: 2018-01-13. Review status: criteria provided, single submitter. Criteria: ICSL Variant Classification Criteria 13 December 2019. Collection method: clinical testing. Allele origin: germline.